The following is an entry in ClinVar:

ClinVar aggregate classification (germline): Uncertain significance. Review status: criteria provided, multiple submitters, no conflicts (2 of 4 stars). 3 submissions from 3 submitters: Uncertain significance (3). Last evaluated 2026-06-10.

Conditions:
Hereditary cancer-predisposing syndrome. Also called: Neoplastic Syndromes, Hereditary; Hereditary Cancer Syndrome; Tumor predisposition; Hereditary neoplastic syndrome. Identifiers: Orphanet 140162, MedGen C0027672, MeSH D009386, MONDO:0015356.
Ataxia-telangiectasia syndrome (AT). Also called: Ataxia-telangiectasia; ATAXIA-TELANGIECTASIA, COMPLEMENTATION GROUP A; ATAXIA-TELANGIECTASIA, FRESNO VARIANT; Cerebello-oculocutaneous telangiectasia; Immunodeficiency with ataxia telangiectasia; Ataxia-telangiectasia, complementation group D. Identifiers: Orphanet 100, MedGen C0004135, MONDO:0008840, OMIM 208900.

Allele frequency attached by ClinVar (database versions not stated): gnomAD exomes below 0.00001.
gnomAD v4.1: 2 of 1,614,054 alleles (0.00012%); highest among the groups gnomAD compares: Non-Finnish European, 0.00017%; no homozygotes.

Submissions (3):

Ambry Genetics
Classification: Uncertain significance for Hereditary cancer-predisposing syndrome. Last evaluated: 2026-06-10. Review status: criteria provided, single submitter. Criteria: Ambry Variant Classification Scheme 2023. Collection method: clinical testing. Allele origin: germline.
Comment: The p.F897S variant (also known as c.2690T>C), located in coding exon 17 of the ATM gene, results from a T to C substitution at nucleotide position 2690. The phenylalanine at codon 897 is replaced by serine, an amino acid with highly dissimilar properties. In an assay testing ATM function, this variant showed a functionally abnormal result (Lee KS et al. Cell, 2025 Sep;188:5081-5099.e27). This amino acid position is poorly conserved in available vertebrate species. In addition, this alteration is predicted to be tolerated by in silico analysis. Based on the available evidence, the clinical significance of this variant remains unclear.

Labcorp Genetics (formerly Invitae), Labcorp
Classification: Uncertain significance for Ataxia-telangiectasia syndrome. Last evaluated: 2026-01-26. Review status: criteria provided, single submitter. Criteria: Invitae Variant Classification Sherloc (09022015). Collection method: clinical testing. Allele origin: germline.
Comment: This sequence change replaces phenylalanine, which is neutral and non-polar, with serine, which is neutral and polar, at codon 897 of the ATM protein (p.Phe897Ser). This variant is not present in population databases (gnomAD no frequency). This variant has not been reported in the literature in individuals affected with ATM-related conditions. ClinVar contains an entry for this variant (Variation ID: 230078). Invitae Evidence Modeling of protein sequence and biophysical properties (such as structural, functional, and spatial information, amino acid conservation, physicochemical variation, residue mobility, and thermodynamic stability) indicates that this missense variant is not expected to disrupt ATM protein function with a negative predictive value of 95%. In summary, the available evidence is currently insufficient to determine the role of this variant in disease. Therefore, it has been classified as a Variant of Uncertain Significance.

GeneDx
Classification: Uncertain significance. Last evaluated: 2023-11-13. Review status: criteria provided, single submitter. Criteria: GeneDx Variant Classification Process June 2021. Collection method: clinical testing. Allele origin: germline. Affected: yes.
Comment: Not observed at significant frequency in large population cohorts (gnomAD); In silico analysis supports that this missense variant does not alter protein structure/function; Has not been previously published as pathogenic or benign to our knowledge

Literature cited by the submitters: PubMed 40580951 (cited by Ambry Genetics).

NM_000051.4(ATM):c.2690T>C (p.Phe897Ser)

Gene: ATM (ATM serine/threonine kinase; plus strand). Cytogenetic location: 11q22.3.
Variant type: single nucleotide variant.
Coding change: c.2690T>C on transcript NM_000051.4 (MANE Select); coding-DNA position 2690, T replaced by C.
Protein change: p.Phe897Ser; replaces phenylalanine 897 with serine.
Molecular consequence: missense variant.
Genome position (GRCh38, 1-based): chr11:108,268,461, T>C. VCF-style: chr11-108268461-T-C. GRCh37 (hg19) VCF-style: chr11-108139188-T-C.
Other names: c.2690T>C, p.Phe897Ser (NM_001351834.2); short protein forms F897S.
Identifiers: ClinVar variation 230078 (VCV000230078.15), dbSNP rs876658373, ClinGen allele CA10579067.